The following is an entry in ClinVar:

NM_001378609.3(OTOGL):c.6922G>A (p.Glu2308Lys)

Gene: OTOGL (otogelin like; plus strand). Cytogenetic location: 12q21.31.
Variant type: single nucleotide variant.
Coding change: c.6922G>A on transcript NM_001378609.3 (MANE Select); coding-DNA position 6922, G replaced by A.
Protein change: p.Glu2308Lys; replaces glutamic acid 2308 with lysine.
Molecular consequence: missense variant.
Genome position (GRCh38, 1-based): chr12:80,377,908, G>A. VCF-style: chr12-80377908-G-A. GRCh37 (hg19) VCF-style: chr12-80771688-G-A.
Other names: c.6787G>A, p.Glu2263Lys (NM_001368062.3); c.6922G>A, p.Glu2308Lys (NM_001378610.3, NM_173591.7); short protein forms E2263K, E2308K.
Identifiers: ClinVar variation 930163 (VCV000930163.4), dbSNP rs1891257108, ClinGen allele CA385862606.
Genomic context (GRCh38, chr12:80,377,908, plus strand): 5'-ATAAATGTTGCATCTTGTGACGGCAAATGCCCATCAGCTACCATATATAACATCAATATT[G>A]AAAGTCACCTAAGATTCTGCAAGTGTTGTCGTGAAAATGGAGTACGAAACTTGTCTGTGC-3'
Protein context (NP_001365538.2, residues 2298-2318): PSATIYNINI[Glu2308Lys]SHLRFCKCCR

ClinVar aggregate classification (germline): Uncertain significance (1 of 4 stars; one submission).

Allele frequency attached by ClinVar (database versions not stated): gnomAD exomes below 0.00001; TOPMed below 0.00001.
gnomAD v4.1: 5 of 1,611,394 alleles (0.00031%); highest among the groups gnomAD compares: Non-Finnish European, 0.00042%; no homozygotes.

Submission:

Laboratory for Molecular Medicine, Mass General Brigham Personalized Medicine
Classification: Uncertain significance. Last evaluated: 2019-08-28. Review status: criteria provided, single submitter. Criteria: LMM Criteria. Collection method: clinical testing. Allele origin: germline. Observed: 1 variant allele.
Comment: The p.Glu2299Lys variant in OTOGL has not been previously reported in individuals with hearing loss and was absent from large population studies. Computational prediction tools and conservation analyses do not provide strong support for or against an impact to the protein. In summary, the clinical significance of this variant is uncertain. ACMG/AMP Criteria applied: PM2.